The following is an entry in ClinVar:

NM_152468.5(TMC8):c.2105G>A (p.Arg702His)

Gene: TMC8 (transmembrane channel like 8; plus strand). Cytogenetic location: 17q25.3.
Variant type: single nucleotide variant.
Coding change: c.2105G>A on transcript NM_152468.5 (MANE Select); coding-DNA position 2105, G replaced by A.
Protein change: p.Arg702His; replaces arginine 702 with histidine.
Molecular consequence: missense variant.
Genome position (GRCh38, 1-based): chr17:78,141,036, G>A. VCF-style: chr17-78141036-G-A. GRCh37 (hg19) VCF-style: chr17-76137117-G-A.
Other names: short protein forms R702H.
Identifiers: ClinVar variation 847750 (VCV000847750.10), dbSNP rs2075363469, ClinGen allele CA401254716.

ClinVar aggregate classification (germline): Uncertain significance (1 of 4 stars; one submission).

Conditions:
Epidermodysplasia verruciformis. Identifiers: Orphanet 302, MedGen C0014522, MONDO:0009176.

gnomAD v4.1: 1 of 1,605,256 alleles (0.000062%); no homozygotes.

Submission:

Labcorp Genetics (formerly Invitae), Labcorp
Classification: Uncertain significance for Epidermodysplasia verruciformis. Last evaluated: 2022-08-09. Review status: criteria provided, single submitter. Criteria: Invitae Variant Classification Sherloc (09022015). Collection method: clinical testing. Allele origin: germline.
Comment: ClinVar contains an entry for this variant (Variation ID: 847750). This sequence change replaces arginine, which is basic and polar, with histidine, which is basic and polar, at codon 702 of the TMC8 protein (p.Arg702His). This variant is not present in population databases (gnomAD no frequency). This variant has not been reported in the literature in individuals affected with TMC8-related conditions. Algorithms developed to predict the effect of missense changes on protein structure and function output the following: SIFT: "Tolerated"; PolyPhen-2: "Benign"; Align-GVGD: "Class C0". The histidine amino acid residue is found in multiple mammalian species, which suggests that this missense change does not adversely affect protein function. In summary, the available evidence is currently insufficient to determine the role of this variant in disease. Therefore, it has been classified as a Variant of Uncertain Significance.